The following is an entry in ClinVar:

ClinVar aggregate classification (germline): Uncertain significance (1 of 4 stars; one submission).

Allele frequency attached by ClinVar (database versions not stated): gnomAD 0.00001; TOPMed 0.00001; ExAC 0.00002; gnomAD exomes 0.00002; ESP Exome Variant Server 0.00008.
gnomAD v4.1: 6 of 1,613,932 alleles (0.00037%); highest among the groups gnomAD compares: Admixed American, 0.0017%; no homozygotes.

Submission:

Labcorp Genetics (formerly Invitae), Labcorp
Classification: Uncertain significance. Last evaluated: 2023-05-12. Review status: criteria provided, single submitter. Criteria: Invitae Variant Classification Sherloc (09022015). Collection method: clinical testing. Allele origin: germline.
Comment: This sequence change replaces lysine, which is basic and polar, with glutamine, which is neutral and polar, at codon 82 of the MMP13 protein (p.Lys82Gln). In summary, the available evidence is currently insufficient to determine the role of this variant in disease. Therefore, it has been classified as a Variant of Uncertain Significance. Advanced modeling of protein sequence and biophysical properties (such as structural, functional, and spatial information, amino acid conservation, physicochemical variation, residue mobility, and thermodynamic stability) performed at Invitae indicates that this missense variant is not expected to disrupt MMP13 protein function. ClinVar contains an entry for this variant (Variation ID: 1019792). This variant has not been reported in the literature in individuals affected with MMP13-related conditions. This variant is present in population databases (rs371513455, gnomAD 0.003%).

NM_002427.4(MMP13):c.244A>C (p.Lys82Gln)

Genes: MMP13 (matrix metallopeptidase 13; minus strand), LOC126861318 (BRD4-independent group 4 enhancer GRCh37_chr11:102825894-102827093; plus strand). Cytogenetic location: 11q22.2.
Variant type: single nucleotide variant.
Coding change: c.244A>C on transcript NM_002427.4 (MANE Select); coding-DNA position 244, A replaced by C.
Protein change: p.Lys82Gln; replaces lysine 82 with glutamine.
Molecular consequence: missense variant.
Genome position (GRCh38, 1-based): chr11:102,955,370, T>G on the plus strand (A>C on the coding strand, the complement: MMP13 is on the minus strand). VCF-style: chr11-102955370-T-G. GRCh37 (hg19) VCF-style: chr11-102826099-T-G.
Other names: short protein forms K82Q.
Identifiers: ClinVar variation 1019792 (VCV001019792.10), dbSNP rs371513455, ClinGen allele CA6252036.